The following is an entry in ClinVar:

NM_024312.5(GNPTAB):c.2042A>G (p.His681Arg)

Gene: GNPTAB (N-acetylglucosamine-1-phosphate transferase subunits alpha and beta; minus strand). Cytogenetic location: 12q23.2.
Variant type: single nucleotide variant.
Coding change: c.2042A>G on transcript NM_024312.5 (MANE Select); coding-DNA position 2042, A replaced by G.
Protein change: p.His681Arg; replaces histidine 681 with arginine.
Molecular consequence: missense variant.
Genome position (GRCh38, 1-based): chr12:101,764,875, T>C on the plus strand (A>G on the coding strand, the complement: GNPTAB is on the minus strand). VCF-style: chr12-101764875-T-C. GRCh37 (hg19) VCF-style: chr12-102158653-T-C.
Other names: short protein forms H681R.
Identifiers: ClinVar variation 1366439 (VCV001366439.7), dbSNP rs1262269049, ClinGen allele CA386299123.

ClinVar aggregate classification (germline): Uncertain significance (1 of 4 stars; one submission).

Conditions:
Pseudo-Hurler polydystrophy. Also called: ML III; ML III ALPHA/BETA; MUCOLIPIDOSIS IIIA; Type III Mucolipidosis; ML IIIA; Mucolipidosis III Alpha/Beta. Identifiers: Orphanet 423461, Orphanet 577, MedGen C0033788, MONDO:0018931, OMIM 252600.
Mucolipidosis type II. Also called: ML II ALPHA/BETA; Mucolipidosis 2; ML 2; Inclusion cell disease; Leroy Disease; N-acetylglucosamine 1phosphotransferase deficiency. Identifiers: Orphanet 576, MedGen C2673377, MONDO:0009650, OMIM 252500.

Allele frequency attached by ClinVar (database versions not stated): gnomAD exomes below 0.00001.
gnomAD v4.1: 3 of 1,614,220 alleles (0.00019%); highest among the groups gnomAD compares: Non-Finnish European, 0.00025%; no homozygotes.

Submission:

Labcorp Genetics (formerly Invitae), Labcorp
Classification: Uncertain significance for Pseudo-Hurler polydystrophy; Mucolipidosis type II. Last evaluated: 2024-06-17. Review status: criteria provided, single submitter. Criteria: Invitae Variant Classification Sherloc (09022015). Collection method: clinical testing. Allele origin: germline.
Comment: This sequence change replaces histidine, which is basic and polar, with arginine, which is basic and polar, at codon 681 of the GNPTAB protein (p.His681Arg). This variant is not present in population databases (gnomAD no frequency). This variant has not been reported in the literature in individuals affected with GNPTAB-related conditions. ClinVar contains an entry for this variant (Variation ID: 1366439). Advanced modeling of protein sequence and biophysical properties (such as structural, functional, and spatial information, amino acid conservation, physicochemical variation, residue mobility, and thermodynamic stability) performed at Invitae indicates that this missense variant is not expected to disrupt GNPTAB protein function with a negative predictive value of 80%. In summary, the available evidence is currently insufficient to determine the role of this variant in disease. Therefore, it has been classified as a Variant of Uncertain Significance.